The following is an entry in ClinVar:

ClinVar aggregate classification (germline): Uncertain significance. Review status: criteria provided, multiple submitters, no conflicts (2 of 4 stars). 2 submissions from 2 submitters: Uncertain significance (2). Last evaluated 2020-02-14.

Conditions:
Progressive myoclonic epilepsy type 5. Identifiers: Orphanet 402082, MedGen C5190799.

Allele frequency attached by ClinVar (database versions not stated): gnomAD exomes below 0.00001; ExAC 0.00001.
gnomAD v4.1: 1 of 1,613,976 alleles (0.000062%); highest among the groups gnomAD compares: Admixed American, 0.0017%; no homozygotes.

Submissions (2):

Labcorp Genetics (formerly Invitae), Labcorp
Classification: Uncertain significance for Progressive myoclonic epilepsy type 5. Last evaluated: 2020-02-14. Review status: criteria provided, single submitter. Criteria: Invitae Variant Classification Sherloc (09022015). Collection method: clinical testing. Allele origin: germline.
Comment: In summary, the available evidence is currently insufficient to determine the role of this variant in disease. Therefore, it has been classified as a Variant of Uncertain Significance. Algorithms developed to predict the effect of missense changes on protein structure and function (SIFT, PolyPhen-2, Align-GVGD) all suggest that this variant is likely to be tolerated, but these predictions have not been confirmed by published functional studies and their clinical significance is uncertain. This variant has not been reported in the literature in individuals with PRICKLE2-related conditions. This variant is present in population databases (rs770462303, ExAC 0.009%). This sequence change replaces methionine with lysine at codon 441 of the PRICKLE2 protein (p.Met441Lys). The methionine residue is moderately conserved and there is a moderate physicochemical difference between methionine and lysine.

Athena Diagnostics
Classification: Uncertain significance. Last evaluated: 2019-01-07. Review status: criteria provided, single submitter. Criteria: Athena Diagnostics Criteria. Collection method: clinical testing. Allele origin: germline.

NM_198859.4(PRICKLE2):c.1322T>A (p.Met441Lys)

Gene: PRICKLE2 (prickle planar cell polarity protein 2; minus strand). Cytogenetic location: 3p14.1.
Variant type: single nucleotide variant.
Coding change: c.1322T>A on transcript NM_198859.4 (MANE Select); coding-DNA position 1322, T replaced by A.
Protein change: p.Met441Lys; replaces methionine 441 with lysine.
Molecular consequence: missense variant.
Genome position (GRCh38, 1-based): chr3:64,147,168, A>T on the plus strand (T>A on the coding strand, the complement: PRICKLE2 is on the minus strand). VCF-style: chr3-64147168-A-T. GRCh37 (hg19) VCF-style: chr3-64132844-A-T.
Other names: c.1322T>A, p.Met441Lys (NM_001370528.1); short protein forms M441K.
Identifiers: ClinVar variation 805240 (VCV000805240.8), dbSNP rs770462303, ClinGen allele CA2479651.